The following is an entry in ClinVar:

NM_006929.5(SKIC2):c.2584-1G>C

Gene: SKIC2 (SKI2 subunit of superkiller complex; plus strand). Cytogenetic location: 6p21.33.
Variant type: single nucleotide variant.
Coding change: c.2584-1G>C on transcript NM_006929.5 (MANE Select); the canonical splice acceptor site of the intron before coding-DNA position 2584, G replaced by C.
Molecular consequence: splice acceptor variant.
Genome position (GRCh38, 1-based): chr6:31,967,714, G>C. VCF-style: chr6-31967714-G-C. GRCh37 (hg19) VCF-style: chr6-31935491-G-C.
Identifiers: ClinVar variation 2863682 (VCV002863682.3), dbSNP rs2482986290, ClinGen allele CA363475843.

ClinVar aggregate classification (germline): Likely pathogenic (1 of 4 stars; one submission).

Submission:

Labcorp Genetics (formerly Invitae), Labcorp
Classification: Likely pathogenic. Last evaluated: 2023-05-12. Review status: criteria provided, single submitter. Criteria: Invitae Variant Classification Sherloc (09022015). Collection method: clinical testing. Allele origin: germline.
Comment: This sequence change affects an acceptor splice site in intron 21 of the SKIV2L gene. It is expected to disrupt RNA splicing. Variants that disrupt the donor or acceptor splice site typically lead to a loss of protein function (PMID: 16199547), and loss-of-function variants in SKIV2L are known to be pathogenic (PMID: 22444670). In summary, the currently available evidence indicates that the variant is pathogenic, but additional data are needed to prove that conclusively. Therefore, this variant has been classified as Likely Pathogenic. Algorithms developed to predict the effect of sequence changes on RNA splicing suggest that this variant may disrupt the consensus splice site. This variant has not been reported in the literature in individuals affected with SKIV2L-related conditions. This variant is not present in population databases (gnomAD no frequency).

Literature cited by the submitters: PubMed 16199547; PubMed 22444670.